The following is an entry in ClinVar:

NM_201384.3(PLEC):c.3850C>T (p.Leu1284Phe)

Gene: PLEC (plectin; minus strand). Cytogenetic location: 8q24.3.
Variant type: single nucleotide variant.
Coding change: c.3850C>T on transcript NM_201384.3 (MANE Select); coding-DNA position 3850, C replaced by T.
Protein change: p.Leu1284Phe; replaces leucine 1284 with phenylalanine.
Molecular consequence: missense variant.
Genome position (GRCh38, 1-based): chr8:143,927,072, G>A on the plus strand (C>T on the coding strand, the complement: PLEC is on the minus strand). VCF-style: chr8-143927072-G-A. GRCh37 (hg19) VCF-style: chr8-145001240-G-A.
Other names: c.4261C>T, p.Leu1421Phe (NM_201380.4); c.3754C>T, p.Leu1252Phe (NM_201381.3); c.3850C>T, p.Leu1284Phe (NM_201382.4); c.3862C>T, p.Leu1288Phe (NM_201383.3); c.3931C>T, p.Leu1311Phe (NM_000445.5); c.3808C>T, p.Leu1270Phe (NM_201378.4); c.3784C>T, p.Leu1262Phe (NM_201379.3); short protein forms L1252F, L1262F, L1270F, L1284F, L1288F, L1311F, L1421F.
Identifiers: ClinVar variation 1048028 (VCV001048028.6), dbSNP rs782169513, ClinGen allele CA4926875.
Genomic context (GRCh38, chr8:143,927,072, plus strand): 5'-TGGGCTTCTTGGCCGGGGAGGCCACCGGCTCAAGCTGCGCCTTGTACGTCACCAGCTGGA[G>A]TTCATAGTCCTGTGGCAATGCACTGCGGTCAGCCACCAGCTCTGCCCTCCGATGGCCCCT-3'
Protein context (NP_958786.1, residues 1274-1294): QYINAIKDYE[Leu1284Phe]QLVTYKAQLE

ClinVar aggregate classification (germline): Conflicting classifications of pathogenicity. Review status: criteria provided, conflicting classifications (1 of 4 stars). 2 submissions from 2 submitters: Pathogenic (1); Uncertain significance (1). Last evaluated 2024-05-02.

Conditions:
Epidermolysis bullosa simplex 5B, with muscular dystrophy (EBS5B). Also called: Epidermolysis bullosa simplex with muscular dystrophy; EPIDERMOLYSIS BULLOSA SIMPLEX AND LIMB-GIRDLE MUSCULAR DYSTROPHY. Identifiers: Orphanet 257, MedGen C2931072, MONDO:0009181, OMIM 226670.
Epidermolysis bullosa simplex 5C, with pyloric atresia (EBS5C). Also called: Epidermolysis bullosa simplex with pyloric atresia; PLEC-Related Epidermolysis Bullosa with Pyloric Atresia; PLEC1-Related Epidermolysis Bullosa with Pyloric Atresia. Identifiers: Orphanet 158684, MedGen C2677349, MONDO:0012807, OMIM 612138.
Epidermolysis bullosa simplex, Ogna type (EBS5A). Also called: Pidermolysis bullosa simplex 5A, Ogna type; EPIDERMOLYSIS BULLOSA SIMPLEX 5A, OGNA TYPE. Identifiers: Orphanet 79401, MedGen C0432317, MONDO:0007555, OMIM 131950.
Autosomal recessive limb-girdle muscular dystrophy type 2Q (LGMDR17). Also called: MUSCULAR DYSTROPHY, LIMB-GIRDLE, AUTOSOMAL RECESSIVE 17. Identifiers: Orphanet 254361, MedGen C3150989, MONDO:0013390, OMIM 613723.
Epidermolysis bullosa simplex with nail dystrophy (EBS5D). Identifiers: MedGen C4225309, MONDO:0014661, OMIM 616487.
Epidermolysis bullosa simplex. Also called: Epidermolysis bullosa simplex, Weber-Cockayne type (subtype); Epidermolysis bullosa simplex, Dowling-Meara type (subtype); Epidermolysis bullosa simplex with mottled pigmentation (subtype). Identifiers: Orphanet 304, MedGen C0079298, MONDO:0017610.

Allele frequency attached by ClinVar (database versions not stated): gnomAD exomes below 0.00001 and 0.00002; ExAC 0.00001; gnomAD 0.00001; TOPMed 0.00001.
gnomAD v4.1: 35 of 1,610,662 alleles (0.0022%); highest among the groups gnomAD compares: Non-Finnish European, 0.0028%; no homozygotes.

Submissions (2):

Labcorp Genetics (formerly Invitae), Labcorp
Classification: Uncertain significance for Autosomal recessive limb-girdle muscular dystrophy type 2Q; Epidermolysis bullosa simplex, Ogna type; Epidermolysis bullosa simplex with nail dystrophy; Epidermolysis bullosa simplex 5C, with pyloric atresia; Epidermolysis bullosa simplex 5B, with muscular dystrophy. Last evaluated: 2024-05-02. Review status: criteria provided, single submitter. Criteria: Invitae Variant Classification Sherloc (09022015). Collection method: clinical testing. Allele origin: germline.
Comment: This sequence change replaces leucine, which is neutral and non-polar, with phenylalanine, which is neutral and non-polar, at codon 1311 of the PLEC protein (p.Leu1311Phe). This variant is present in population databases (rs782169513, gnomAD 0.0009%). This variant has not been reported in the literature in individuals affected with PLEC-related conditions. ClinVar contains an entry for this variant (Variation ID: 1048028). Advanced modeling of protein sequence and biophysical properties (such as structural, functional, and spatial information, amino acid conservation, physicochemical variation, residue mobility, and thermodynamic stability) performed at Invitae indicates that this missense variant is expected to disrupt PLEC protein function with a positive predictive value of 80%. In summary, the available evidence is currently insufficient to determine the role of this variant in disease. Therefore, it has been classified as a Variant of Uncertain Significance.

Biomedical Innovation Departament, CIEMAT
Classification: Pathogenic for Simplex epidermolysis bullosa. Last evaluated: 2019-03-22. Review status: criteria provided, single submitter. Criteria: ACMG Guidelines, 2015. Collection method: research. Allele origin: germline. Affected: yes. Observed: 1 variant allele.